The following is an entry in ClinVar:

Conditions:
Long QT syndrome 5 (LQT5). Identifiers: Orphanet 101016, Orphanet 768, MedGen C1867904, MONDO:0013372, OMIM 613695.

Submission:

Roden Lab, Vanderbilt University Medical Center
No classification provided (evidence only). Condition: Long QT syndrome 5. Review status: no classification provided. Collection method: in vitro. Allele origin: not applicable. Functional consequence: Effect on ion channel function.
ClinVar note: "not provided" was previously submitted as the classification for the variant. However, the classification appeared to be based only on an observation of functional data so it was converted to no classification on 2025-07-30.

NM_000219.6(KCNE1):c.162C>A (p.Phe54Leu)

Gene: KCNE1 (potassium voltage-gated channel subfamily E regulatory subunit 1; minus strand). Cytogenetic location: 21q22.12.
Variant type: single nucleotide variant.
Coding change: c.162C>A on transcript NM_000219.6 (MANE Select); coding-DNA position 162, C replaced by A.
Protein change: p.Phe54Leu; replaces phenylalanine 54 with leucine.
Molecular consequence: missense variant.
Genome position (GRCh38, 1-based): chr21:34,449,473, G>T on the plus strand (C>A on the coding strand, the complement: KCNE1 is on the minus strand). VCF-style: chr21-34449473-G-T. GRCh37 (hg19) VCF-style: chr21-35821771-G-T.
Other names: c.162C>A, p.Phe54Leu (NM_001127668.4, NM_001127669.4, NM_001127670.4 and 4 more transcripts); short protein forms F54L.
Identifiers: ClinVar variation 3374210 (VCV003374210.2).